The following is an entry in ClinVar:

ClinVar aggregate classification (germline): Conflicting classifications of pathogenicity. Review status: criteria provided, conflicting classifications (1 of 4 stars). 12 submissions from 11 submitters: Uncertain significance (10); Likely benign (1). 1 of the submissions does not count toward it. Last evaluated 2026-09-21.

Conditions:
Familial Mediterranean fever (FMF). Also called: POLYSEROSITIS, FAMILIAL PAROXYSMAL; POLYSEROSITIS, RECURRENT; Periodic peritonitis; Benign paroxysmal peritonitis. Identifiers: Orphanet 342, MedGen C0031069, MONDO:0018088, OMIM 249100. Disease mechanism: gain of function.
Familial Mediterranean fever, autosomal dominant. Also called: FMF, AUTOSOMAL DOMINANT; Dominant Familial Mediterranean Fever. Identifiers: Orphanet 342, MedGen C1851347, MONDO:0007601, OMIM 134610.
Acute febrile neutrophilic dermatosis (AFND). Also called: Sweet Syndrome; Gomm Button disease. Identifiers: Orphanet 3243, MedGen C0085077, MONDO:0011959, OMIM 608068.
MEFV-related disorder. Also called: MEFV-related disorders; MEFV-related condition.

Allele frequency attached by ClinVar (database versions not stated): gnomAD 0.00020 and 0.00021; ExAC 0.00023; gnomAD exomes 0.00027 and 0.00014; ESP Exome Variant Server 0.00008; TOPMed 0.00018.
gnomAD v4.1: 248 of 1,614,008 alleles (0.015%); highest among the groups gnomAD compares: Middle Eastern, 0.066%; 1 homozygote.

Submissions (12):

PreventionGenetics, part of Exact Sciences
Classification: Uncertain significance for MEFV-related condition. Last evaluated: 2026-09-21. Review status: criteria provided, single submitter. Criteria: ACMG Guidelines, 2015. Collection method: clinical testing. Allele origin: germline.
Comment: The MEFV c.1370C>T variant is predicted to result in the amino acid substitution p.Ala457Val. To our knowledge, this variant has not been reported in the literature. This variant is reported in 0.52% of alleles in individuals of Ashkenazi Jewish descent in gnomAD. At this time, the clinical significance of this variant is uncertain due to the absence of conclusive functional and genetic evidence.

Women's Health and Genetics/Laboratory Corporation of America, LabCorp
Classification: Uncertain significance. Last evaluated: 2026-02-12. Review status: criteria provided, single submitter. Criteria: LabCorp Variant Classification Summary - May 2015. Collection method: clinical testing. Allele origin: germline.
Comment: Variant summary: MEFV c.1370C>T (p.Ala457Val) results in a non-conservative amino acid change in the encoded protein sequence. Algorithms developed to predict the effect of missense changes on protein structure and function are either unavailable or do not agree on the potential impact of this missense change. The variant allele was found at a frequency of 0.00028 in 252058 control chromosomes. This frequency is not significantly higher than estimated for disease-causing variants in MEFV, allowing no conclusion about variant significance. c.1370C>T has been observed in individuals affected with Familial Mediterranean Fever, including at least one case where it was found in cis with other variants (p.Glu148Gln, p.Arg408Gln, and p.Pro369Ser) in an affected individual and their affected father (Lainka_2012, Mneimneh_2016, Shinkarevsky Fleitman_2020). These reports do not provide unequivocal conclusions about association of the variant with Familial Mediterranean Fever. At least one publication reports experimental evidence evaluating an impact on protein function and suggests it may be a hypermorphic variant based on a speck formation assay (Bronnec_2026), however, this does not allow for convincing conclusions about the variant effect. The following publications have been ascertained in the context of this evaluation (PMID: 29579081, 25203624, 20041150, 23010357, 22903357, 28421071, 25760918, 24117178, 32133669, 27332769, 29599418, 29927949, 41335224). ClinVar contains an entry for this variant (Variation ID: 97441). Based on the evidence outlined above, the variant was classified as uncertain significance.

Labcorp Genetics (formerly Invitae), Labcorp
Classification: Likely benign for Familial Mediterranean fever. Last evaluated: 2026-02-01. Review status: criteria provided, single submitter. Criteria: Invitae Variant Classification Sherloc (09022015). Collection method: clinical testing. Allele origin: germline.

GeneDx
Classification: Uncertain significance. Last evaluated: 2025-07-15. Review status: criteria provided, single submitter. Criteria: GeneDx Variant Classification Process June 2021. Collection method: clinical testing. Allele origin: germline. Affected: yes.
Comment: Reported as heterozygous in an individual with fibromyalgia syndrome and an unrelated individual with FMF and small fiber neuropathy; both individuals were also heterozygous for the E148Q, P369S and R408Q variants, with all 4 variants on the same allele (in cis) (PMID: 20041150, 32133669); In silico analysis suggests that this missense variant does not alter protein structure/function; This variant is associated with the following publications: (PMID: 27332769, 29579081, 32133669, 34426522, 32806879, 20041150, 29599418, 29927949, 30476936, 25203624)

Department of Pathology and Laboratory Medicine, Sinai Health System
Classification: Uncertain significance for Familial Mediterranean fever, autosomal dominant; Familial Mediterranean fever; Acute febrile neutrophilic dermatosis. Last evaluated: 2022-05-05. Review status: criteria provided, single submitter. Criteria: ACMG Guidelines, 2015. Collection method: research. Allele origin: germline.

Center for Genomics, Ann and Robert H. Lurie Children's Hospital of Chicago
Classification: Uncertain significance for Acute febrile neutrophilic dermatosis; Familial Mediterranean fever; Familial Mediterranean fever, autosomal dominant. Last evaluated: 2021-03-30. Review status: criteria provided, single submitter. Criteria: ACMG Guidelines, 2015. Collection method: clinical testing. Allele origin: germline.
Comment: MEFV NM_000243.2 exon 5 p.Ala457Val (c.1370C>T): This variant has been reported in the literature in at least 2 individuals with features of Familial Mediterranean Fever (FMF). This variant is often reported in cis with several other variants (p.Glu148Gln, p.Pro369Ser, p.Arg408Gln) as part of a complex heterozygote; however at least 1 individual was reported to have this variant in trans (Lainka 2012 PMID:22903357, Mneimneh 2016 PMID:n/a). Of note, this variant was also found in cis with the same variants in 1 patient with fibromyalgia (Feng 2009 PMID:20041150). This variant is present in 0.5% (54/10368) of Ashkenazi Jewish alleles in the Genome Aggregation Database. This variant is present in ClinVar (Variation ID:97441) and the infevers database. This variant amino acid Valine (Val) is present in 9 species and is not well conserved among evolutionarily distant species; this suggests that this variant may not impact the protein. Additional computational prediction tools do not suggest an impact. In summary, data on this variant is insufficient for disease classification. Therefore, the clinical significance of this variant is uncertain.

Center for Genomics, Ann and Robert H. Lurie Children's Hospital of Chicago
Classification: Uncertain significance for Familial Mediterranean fever, autosomal dominant; Familial Mediterranean fever. Last evaluated: 2020-03-20. Review status: criteria provided, single submitter. Criteria: ACMG Guidelines, 2015. Collection method: clinical testing. Allele origin: germline.
Comment: the same text as in the submission from Center for Genomics, Ann and Robert H. Lurie Children's Hospital of Chicago above.

Mendelics
Classification: Uncertain significance for Familial Mediterranean fever. Last evaluated: 2019-05-28. Review status: criteria provided, single submitter. Criteria: Mendelics Assertion Criteria 2017. Collection method: clinical testing. Allele origin: unknown.

ARUP Laboratories, Molecular Genetics and Genomics, ARUP Laboratories
Classification: Uncertain significance. Last evaluated: 2017-06-06. Review status: criteria provided, single submitter. Criteria: ARUP Molecular Germline Variant Investigation Process. Collection method: clinical testing. Allele origin: germline.
Comment: The MEFV c.1370C>T; p.Ala457Val variant (rs104895151) has been reported in an individual with periodic fever syndrome (Infevers database), and another individual with fibromyalgia syndrome (Feng 2009). However, in the latter case, the variant was paternally inherited, and found in-cis with p.Glu148Gln, p.Pro369Ser and p.Arg408Gln, with no variants detected on the maternal chromosome (Feng 2009). The variant is listed in ClinVar (Variation ID: 97441), and observed in the general population at an overall frequency of 0.03% (73/277128 alleles) in the Genome Aggregation Database. The alanine at residue 457 is weakly conserved and computational algorithms (PolyPhen-2, SIFT) predict that the variant has no impact on the protein. Due to the limited information regarding this variant, its clinical significance cannot be determined with certainty. References: Infevers database: Feng J et al. Missense mutations in the MEFV gene are associated with fibromyalgia syndrome and correlate with elevated IL-1beta plasma levels. PLoS One. 2009;4(12):e8480.

CeGaT Center for Human Genetics Tuebingen
Classification: Uncertain significance. Last evaluated: 2017-05-01. Review status: criteria provided, single submitter. Criteria: CeGaT Center For Human Genetics Tuebingen Variant Classification Criteria Version 2. Collection method: clinical testing. Allele origin: germline. Affected: yes. Observed: 1 variant allele.

Illumina Laboratory Services, Illumina
Classification: Uncertain significance for Familial Mediterranean fever. Last evaluated: 2017-04-27. Review status: criteria provided, single submitter. Criteria: ICSL Variant Classification Criteria 13 December 2019. Collection method: clinical testing. Allele origin: germline.
Comment: This variant was observed as part of a predisposition screen in an ostensibly healthy population. A literature search was performed for the gene, cDNA change, and amino acid change (where applicable). Publications were found based on this search. However, the evidence from the literature, in combination with allele frequency data from public databases where available, was not sufficient to rule this variant in or out of causing disease. Therefore, this variant is classified as a variant of unknown significance.

Unité médicale des maladies autoinflammatoires, CHRU Montpellier
No classification provided. Condition: Familial Mediterranean fever. Review status: no classification provided. Collection method: not provided. Allele origin: unknown. Not counted in ClinVar's aggregate classification.

Literature cited by the submitters: PubMed 20041150 (cited by Women's Health and Genetics/Laboratory Corporation of America, LabCorp and Illumina Laboratory Services, Illumina); PubMed 22903357 (cited by Women's Health and Genetics/Laboratory Corporation of America, LabCorp and Illumina Laboratory Services, Illumina); PubMed 23010357 (cited by Women's Health and Genetics/Laboratory Corporation of America, LabCorp and Illumina Laboratory Services, Illumina); PubMed 24117178 (cited by Women's Health and Genetics/Laboratory Corporation of America, LabCorp); PubMed 25203624 (cited by Women's Health and Genetics/Laboratory Corporation of America, LabCorp); PubMed 25760918 (cited by Women's Health and Genetics/Laboratory Corporation of America, LabCorp); PubMed 28421071 (cited by Women's Health and Genetics/Laboratory Corporation of America, LabCorp); PubMed 29599418 (cited by Women's Health and Genetics/Laboratory Corporation of America, LabCorp); PubMed 29927949 (cited by Women's Health and Genetics/Laboratory Corporation of America, LabCorp); PubMed 29579081 (cited by Women's Health and Genetics/Laboratory Corporation of America, LabCorp); PubMed 27332769 (cited by Women's Health and Genetics/Laboratory Corporation of America, LabCorp); PubMed 41335224 (cited by Women's Health and Genetics/Laboratory Corporation of America, LabCorp); PubMed 32133669 (cited by Women's Health and Genetics/Laboratory Corporation of America, LabCorp).

NM_000243.3(MEFV):c.1370C>T (p.Ala457Val)

Gene: MEFV (MEFV innate immunity regulator, pyrin; minus strand). Cytogenetic location: 16p13.3.
Variant type: single nucleotide variant.
Coding change: c.1370C>T on transcript NM_000243.3 (MANE Select); coding-DNA position 1370, C replaced by T.
Protein change: p.Ala457Val; replaces alanine 457 with valine.
Molecular consequence: missense variant.
Genome position (GRCh38, 1-based): chr16:3,247,233, G>A on the plus strand (C>T on the coding strand, the complement: MEFV is on the minus strand). VCF-style: chr16-3247233-G-A. GRCh37 (hg19) VCF-style: chr16-3297233-G-A.
Other names: c.737C>T, p.Ala246Val (NM_001198536.2); short protein forms A457V, A246V.
Identifiers: ClinVar variation 97441 (VCV000097441.73), dbSNP rs104895151, ClinGen allele CA280392.
Genomic context (GRCh38, chr16:3,247,233, plus strand): 5'-TCTTGCTGCTCCAGGAAGTAGTACACCTGCTCCAGCTTCCTCTGCACCCGCTGCTTCAGC[G>A]CTTCAGTTTGTTTCTGGGGAGCAGAGGACAGGGAGGTATGGGGGTCTGTGCTGTGGGTGG-3'
Protein context (NP_000234.1, residues 447-467): KAVSFLKQTE[Ala457Val]LKQRVQRKLE